The following is an entry in ClinVar:

NM_001023.4(RPS20):c.104-1G>A

Gene: RPS20 (ribosomal protein S20; minus strand). Cytogenetic location: 8q12.1.
Variant type: single nucleotide variant.
Coding change: c.104-1G>A on transcript NM_001023.4 (MANE Select); the canonical splice acceptor site of the intron before coding-DNA position 104, G replaced by A.
Molecular consequence: splice acceptor variant.
Genome position (GRCh38, 1-based): chr8:56,073,769, C>T on the plus strand (G>A on the coding strand, the complement: RPS20 is on the minus strand). VCF-style: chr8-56073769-C-T. GRCh37 (hg19) VCF-style: chr8-56986328-C-T.
Other names: c.104-1G>A (NM_001146227.3).
Identifiers: ClinVar variation 5028418 (VCV005028418.1).

ClinVar aggregate classification (germline): Likely pathogenic (1 of 4 stars; one submission).

Submission:

Ambry Genetics
Classification: Likely pathogenic. Last evaluated: 2026-07-17. Review status: criteria provided, single submitter. Criteria: Ambry Variant Classification Scheme 2023. Collection method: clinical testing. Allele origin: germline.
Comment: The c.104-1G>A intronic variant results from a G to A substitution one nucleotide upstream from coding exon 3 in the RPS20 gene. Alterations that disrupt the canonical splice site are expected to result in aberrant splicing. In silico splice site analysis predicts that this alteration will weaken the native splice acceptor site; however, direct evidence is insufficient at this time (Ambry internal data). The resulting transcript may not trigger nonsense-mediated mRNA decay; however, a significant portion of the protein is predicted to be impacted (Ambry internal data). This variant is considered to be rare based on population cohorts in the Genome Aggregation Database (gnomAD). This nucleotide position is highly conserved in available vertebrate species. Based on the majority of available evidence to date, this variant is likely to be pathogenic.